The following is an entry in ClinVar:

ClinVar aggregate classification (germline): Uncertain significance (1 of 4 stars; one submission).

Submission:

Labcorp Genetics (formerly Invitae), Labcorp
Classification: Uncertain significance. Last evaluated: 2025-05-07. Review status: criteria provided, single submitter. Criteria: Invitae Variant Classification Sherloc (09022015). Collection method: clinical testing. Allele origin: germline.
Comment: This sequence change falls in intron 7 of the LZTR1 gene. It does not directly change the encoded amino acid sequence of the LZTR1 protein. This variant is not present in population databases (gnomAD no frequency). This variant has not been reported in the literature in individuals affected with LZTR1-related conditions. Experimental studies and prediction algorithms are not available or were not evaluated, and the effect of this variant on mRNA splicing is currently unknown. In summary, the available evidence is currently insufficient to determine the role of this variant in disease. Therefore, it has been classified as a Variant of Uncertain Significance.

NM_006767.4(LZTR1):c.651+30_651+31insGGAGGAGGTGAGGGGCACGGGGAGCCAGGGCGCAGGTAGAGGAGGTGAGGGGCGTGGGGAGCCAGGGCGCAGGT

Gene: LZTR1 (leucine zipper like post translational regulator 1; plus strand). Cytogenetic location: 22q11.21.
Variant type: Microsatellite.
Coding change: c.651+30_651+31insGGAGGAGGTGAGGGGCACGGGGAGCCAGGGCGCAGGTAGAGGAGGTGAGGGGCGTGGGGAGCCAGGGCGCAGGT on transcript NM_006767.4 (MANE Select); bases 30 to 31 of the intron after coding-DNA position 651, GGAGGAGGTGAGGGGCACGGGGAGCCAGGGCGCAGGTAGAGGAGGTGAGGGGCGTGGGGAGCCAGGGCGCAGGT inserted.
Molecular consequence: splice donor variant.
Genome position: GRCh38: chr22:20,989,677-20,989,712. GRCh37 (hg19), VCF-style position (the base before the change): chr22:21,343,965.
Identifiers: ClinVar variation 4719116 (VCV004719116.1).